The following is an entry in ClinVar:

ClinVar aggregate classification (germline): Uncertain significance. Review status: criteria provided, single submitter (1 of 4 stars). 2 submissions from 2 submitters: Uncertain significance (1). 1 of the submissions does not count toward it. Last evaluated 2026-01-24.

Conditions:
RPL35-related disorder. Also called: RPL35-related condition.

gnomAD v4.1: 50 of 1,612,094 alleles (0.0031%); highest among the groups gnomAD compares: Non-Finnish European, 0.004%; no homozygotes.

Submissions (2):

Labcorp Genetics (formerly Invitae), Labcorp
Classification: Uncertain significance. Last evaluated: 2026-01-24. Review status: criteria provided, single submitter. Criteria: Invitae Variant Classification Sherloc (09022015). Collection method: clinical testing. Allele origin: germline.
Comment: This sequence change replaces histidine, which is basic and polar, with glutamine, which is neutral and polar, at codon 98 of the RPL35 protein (p.His98Gln). This variant is present in population databases (rs192683197, gnomAD 0.006%). This variant has not been reported in the literature in individuals affected with RPL35-related conditions. ClinVar contains an entry for this variant (Variation ID: 3032762). An algorithm developed to predict the effect of missense changes on protein structure and function (PolyPhen-2) suggests that this variant is likely to be tolerated. In summary, the available evidence is currently insufficient to determine the role of this variant in disease. Therefore, it has been classified as a Variant of Uncertain Significance.

PreventionGenetics, part of Exact Sciences
Classification: Uncertain significance for RPL35-related condition. Last evaluated: 2024-02-14. Review status: no assertion criteria provided. Collection method: clinical testing. Allele origin: germline. Not counted in ClinVar's aggregate classification.
Comment: The RPL35 c.294C>A variant is predicted to result in the amino acid substitution p.His98Gln. To our knowledge, this variant has not been reported in the literature. This variant is reported in 0.0058% of alleles in individuals of Latino descent in gnomAD. At this time, the clinical significance of this variant is uncertain due to the absence of conclusive functional and genetic evidence.

NM_007209.4(RPL35):c.294C>A (p.His98Gln)

Gene: RPL35 (ribosomal protein L35; minus strand). Cytogenetic location: 9q33.3.
Variant type: single nucleotide variant.
Coding change: c.294C>A on transcript NM_007209.4 (MANE Select); coding-DNA position 294, C replaced by A.
Protein change: p.His98Gln; replaces histidine 98 with glutamine.
Molecular consequence: missense variant.
Genome position (GRCh38, 1-based): chr9:124,857,996, G>T on the plus strand (C>A on the coding strand, the complement: RPL35 is on the minus strand). VCF-style: chr9-124857996-G-T. GRCh37 (hg19) VCF-style: chr9-127620275-G-T.
Other names: short protein forms H98Q.
Identifiers: ClinVar variation 3032762 (VCV003032762.3), dbSNP rs192683197, ClinGen allele CA5237186.
Genomic context (GRCh38, chr9:124,857,996, plus strand): 5'-CTTCCGCAGCGGGTACAGCCGCTCCTTCCGCTGCTGCTTCTTGGTCTTCAGGTTCTCCTC[G>T]TGCTTGTTGAGCCGGCGGCGCATGGCACGTGTCTTCTTAGGCCGCAGGTCCAGGGGCTTG-3'
Protein context (NP_009140.1, residues 88-108): TRAMRRRLNK[His98Gln]EENLKTKKQQ